The following is an entry in ClinVar:

ClinVar aggregate classification (germline): Uncertain significance (1 of 4 stars; one submission).

Conditions:
Hereditary cancer-predisposing syndrome. Also called: Neoplastic Syndromes, Hereditary; Tumor predisposition; Hereditary neoplastic syndrome; Hereditary Cancer Syndrome. Identifiers: Orphanet 140162, MedGen C0027672, MeSH D009386, MONDO:0015356.

Submission:

Ambry Genetics
Classification: Uncertain significance for Hereditary cancer-predisposing syndrome. Last evaluated: 2024-01-16. Review status: criteria provided, single submitter. Criteria: Ambry Variant Classification Scheme 2023. Collection method: clinical testing. Allele origin: germline.
Comment: The c.1686C>G variant (also known as p.T562T) is located in coding exon 9 of the RET gene. This variant results from a C to G substitution at nucleotide position 1686. This nucleotide substitution does not change the threonine at codon 562. This nucleotide position is well conserved in available vertebrate species. In silico splice site analysis for this alteration is inconclusive. Since supporting evidence is limited at this time, the clinical significance of this alteration remains unclear.

NM_020975.6(RET):c.1686C>G (p.Thr562=)

Gene: RET (ret proto-oncogene; plus strand). Cytogenetic location: 10q11.21.
Variant type: single nucleotide variant.
Coding change: c.1686C>G on transcript NM_020975.6 (MANE Select); coding-DNA position 1686, C replaced by G.
Protein change: p.Thr562=; no amino-acid change (threonine 562 retained).
Molecular consequence: synonymous variant.
Genome position (GRCh38, 1-based): chr10:43,112,890, C>G. VCF-style: chr10-43112890-C-G. GRCh37 (hg19) VCF-style: chr10-43608338-C-G.
Other names: c.1686C>G, p.Thr562= (NM_000323.2, NM_001406743.1, NM_001406744.1 and 6 more transcripts); c.924C>G, p.Thr308= (NM_001355216.2); c.1557C>G, p.Thr519= (NM_001406761.1, NM_001406762.1, NM_001406764.1 and 1 more transcripts); c.1398C>G, p.Thr466= (NM_001406766.1, NM_001406767.1, NM_001406770.1); c.1290C>G, p.Thr430= (NM_001406769.1, NM_001406772.1); c.1248C>G, p.Thr416= (NM_001406771.1, NM_001406773.1); c.1161C>G, p.Thr387= (NM_001406774.1); c.960C>G, p.Thr320= (NM_001406775.1, NM_001406776.1, NM_001406777.1 and 1 more transcripts); and 5 more.
Identifiers: ClinVar variation 3227515 (VCV003227515.1), dbSNP rs767502292, ClinGen allele CA469027720.